The following is an entry in ClinVar:

ClinVar aggregate classification (germline): Uncertain significance (1 of 4 stars; one submission).

Conditions:
Pheochromocytoma/paraganglioma syndrome 3. Also called: GLOMUS TUMORS, FAMILIAL, 3; Paragangliomas 3; SDHC-Related Hereditary Paraganglioma-Pheochromocytoma Syndrome (Paragangliomas 3); SDHC-Related Hereditary Paraganglioma-Pheochromocytoma Syndrome. Identifiers: Orphanet 29072, MedGen C1854336, MONDO:0011544, OMIM 605373.
Gastrointestinal stromal tumor. Also called: Gastrointestinal stroma tumor; Gastrointestinal stromal tumor, somatic. Identifiers: Orphanet 44890, MedGen C0238198, MeSH D046152, MONDO:0011719, OMIM 606764, HP:0100723.

Submission:

Labcorp Genetics (formerly Invitae), Labcorp
Classification: Uncertain significance for Pheochromocytoma/paraganglioma syndrome 3; Gastrointestinal stromal tumor. Last evaluated: 2025-02-27. Review status: criteria provided, single submitter. Criteria: Invitae Variant Classification Sherloc (09022015). Collection method: clinical testing. Allele origin: germline.
Comment: This sequence change replaces serine, which is neutral and polar, with leucine, which is neutral and non-polar, at codon 48 of the SDHC protein (p.Ser48Leu). This variant is not present in population databases (gnomAD no frequency). This variant has not been reported in the literature in individuals affected with SDHC-related conditions. ClinVar contains an entry for this variant (Variation ID: 1400029). An algorithm developed to predict the effect of missense changes on protein structure and function outputs the following: PolyPhen-2: "Benign". The leucine amino acid residue is found in multiple mammalian species, which suggests that this missense change does not adversely affect protein function. In summary, the available evidence is currently insufficient to determine the role of this variant in disease. Therefore, it has been classified as a Variant of Uncertain Significance.

NM_003001.5(SDHC):c.143C>T (p.Ser48Leu)

Gene: SDHC (succinate dehydrogenase complex subunit C; plus strand). Cytogenetic location: 1q23.3.
Variant type: single nucleotide variant.
Coding change: c.143C>T on transcript NM_003001.5 (MANE Select); coding-DNA position 143, C replaced by T.
Protein change: p.Ser48Leu; replaces serine 48 with leucine.
Molecular consequence: missense variant. On other transcripts: non-coding transcript variant (1), intron variant (4).
Genome position (GRCh38, 1-based): chr1:161,328,461, C>T. VCF-style: chr1-161328461-C-T. GRCh37 (hg19) VCF-style: chr1-161298251-C-T.
Other names: c.143C>T, p.Ser48Leu (NM_001035511.3, NM_001407115.1); c.86C>T, p.Ser29Leu (NM_001407116.1, NM_001407117.1, NM_001407121.1); c.32C>T, p.Ser11Leu (NM_001407119.1, NM_001407120.1); c.77+4791C>T (NM_001035512.3, NM_001278172.3, NM_001407118.1); c.21-12133C>T (NM_001035513.3); short protein forms S48L, S11L, S29L.
Identifiers: ClinVar variation 1400029 (VCV001400029.9), dbSNP rs1362354860, ClinGen allele CA343361202.